The following is an entry in ClinVar:

ClinVar aggregate classification (germline): Benign (1 of 4 stars; one submission).

Allele frequency attached by ClinVar (database versions not stated): 1000 Genomes Project 0.27077; 1000 Genomes Project 30x 0.27342; TOPMed 0.36409; gnomAD 0.38091 and 0.38885; gnomAD exomes 0.41538.
gnomAD v4.1: 254,281 of 624,622 alleles (41%); highest among the groups gnomAD compares: Non-Finnish European, 48%; 56,538 homozygotes.

Submission:

GeneDx
Classification: Benign. Last evaluated: 2018-06-19. Review status: criteria provided, single submitter. Criteria: GeneDx Variant Classification (06012015). Collection method: clinical testing. Allele origin: germline. Affected: yes.
Comment: This variant is considered likely benign or benign based on one or more of the following criteria: it is a conservative change, it occurs at a poorly conserved position in the protein, it is predicted to be benign by multiple in silico algorithms, and/or has population frequency not consistent with disease.

NM_001985.3(ETFB):c.598-199T>C

Gene: ETFB (electron transfer flavoprotein subunit beta; minus strand). Cytogenetic location: 19q13.41.
Variant type: single nucleotide variant.
Coding change: c.598-199T>C on transcript NM_001985.3 (MANE Select); 199 bases into the intron before coding-DNA position 598, T replaced by C.
Molecular consequence: intron variant.
Genome position (GRCh38, 1-based): chr19:51,345,580, A>G on the plus strand (T>C on the coding strand, the complement: ETFB is on the minus strand). VCF-style: chr19-51345580-A-G. GRCh37 (hg19) VCF-style: chr19-51848834-A-G.
Other names: c.871-199T>C (NM_001014763.1).
Identifiers: ClinVar variation 680118 (VCV000680118.1), dbSNP rs8107235, ClinGen allele CA14646824.